The following is an entry in ClinVar:

ClinVar aggregate classification (germline): Pathogenic. Review status: criteria provided, multiple submitters, no conflicts (2 of 4 stars). 2 submissions from 2 submitters: Pathogenic (2). Last evaluated 2026-07-07.

Conditions:
Hereditary cancer-predisposing syndrome. Also called: Hereditary Cancer Syndrome; Tumor predisposition; Hereditary neoplastic syndrome; Neoplastic Syndromes, Hereditary. Identifiers: Orphanet 140162, MedGen C0027672, MeSH D009386, MONDO:0015356.
Hereditary breast ovarian cancer syndrome. Also called: Hereditary breast and/or ovarian cancer syndrome; Breast and ovarian cancer; BRCA1- and BRCA2-Associated Hereditary Breast and Ovarian Cancer; Hereditary breast and ovarian cancer syndrome (HBOC); Hereditary breast and ovarian cancer syndrome; Hereditary breast and ovarian cancer. Identifiers: Orphanet 145, MedGen C0677776, MeSH D061325, MONDO:0003582. Disease mechanism: loss of function.

Submissions (2):

Ambry Genetics
Classification: Pathogenic for Hereditary cancer-predisposing syndrome. Last evaluated: 2026-07-07. Review status: criteria provided, single submitter. Criteria: Ambry Variant Classification Scheme 2023. Collection method: clinical testing. Allele origin: germline.
Comment: The c.705delT pathogenic mutation, located in coding exon 8 of the BRCA2 gene, results from a deletion of one nucleotide at nucleotide position 705, causing a translational frameshift with a predicted alternate stop codon (p.H236Mfs*5). This variant is considered to be rare based on population cohorts in the Genome Aggregation Database (gnomAD). This variant is expected to result in loss of function by premature protein truncation or nonsense-mediated mRNA decay. As such, this variant is interpreted as a disease-causing mutation.

Labcorp Genetics (formerly Invitae), Labcorp
Classification: Pathogenic for Hereditary breast ovarian cancer syndrome. Last evaluated: 2021-02-19. Review status: criteria provided, single submitter. Criteria: Invitae Variant Classification Sherloc (09022015). Collection method: clinical testing. Allele origin: germline.
Comment: For these reasons, this variant has been classified as Pathogenic. This variant has not been reported in the literature in individuals with BRCA2-related conditions. This variant is not present in population databases (ExAC no frequency). This sequence change creates a premature translational stop signal (p.His236Metfs*5) in the BRCA2 gene. It is expected to result in an absent or disrupted protein product. Loss-of-function variants in BRCA2 are known to be pathogenic (PMID: 20104584).

Literature cited by the submitters: PubMed 20104584 (cited by Labcorp Genetics (formerly Invitae), Labcorp).

NM_000059.4(BRCA2):c.705del (p.His236fs)

Gene: BRCA2 (BRCA2 DNA repair associated; plus strand). Cytogenetic location: 13q13.1.
Variant type: Deletion.
Coding change: c.705del on transcript NM_000059.4 (MANE Select); coding-DNA position 705, one base deleted (T; older notation c.705delT).
Protein change: p.His236fs; shifts the reading frame from histidine 236.
Molecular consequence: frameshift variant.
Genome position (GRCh38, 1-based): chr13:32,330,942, T deleted. VCF-style (leftmost placement, unchanged base first): chr13-32330941-AT-A. GRCh37 (hg19) VCF-style: chr13-32905078-AT-A.
Other names: c.705delT (NM_000059.3); short protein forms H236fs.
Identifiers: ClinVar variation 531446 (VCV000531446.8), dbSNP rs1555281452, ClinGen allele CA658798109.
Genomic context (GRCh38, chr13:32,330,941, plus strand): 5'-GTTTTTATACTAGTGATTTTAAACTATAATTTTTGCAGAATGTGAAAAGCTATTTTTCCA[AT>A]CATGATGAAAGTCTGAAGAAAAATGATAGATTTATCGCTTCTGTGACAGACAGTGAAAAC-3'